The following is an entry in ClinVar:

ClinVar aggregate classification (germline): Uncertain significance (1 of 4 stars; one submission).

Allele frequency attached by ClinVar (database versions not stated): gnomAD exomes below 0.00001; gnomAD 0.00001; TOPMed 0.00001.
gnomAD v4.1: 4 of 1,610,304 alleles (0.00025%); highest among the groups gnomAD compares: African/African-American, 0.0013%; no homozygotes.

Submission:

Labcorp Genetics (formerly Invitae), Labcorp
Classification: Uncertain significance. Last evaluated: 2025-03-17. Review status: criteria provided, single submitter. Criteria: Invitae Variant Classification Sherloc (09022015). Collection method: clinical testing. Allele origin: germline.
Comment: This sequence change falls in intron 2 of the CACNA2D4 gene. It does not directly change the encoded amino acid sequence of the CACNA2D4 protein. It affects a nucleotide within the consensus splice site. This variant is present in population databases (no rsID available, gnomAD 0.0009%). This variant has not been reported in the literature in individuals affected with CACNA2D4-related conditions. ClinVar contains an entry for this variant (Variation ID: 2880680). Variants that disrupt the consensus splice site are a relatively common cause of aberrant splicing (PMID: 17576681, 9536098). Algorithms developed to predict the effect of sequence changes on RNA splicing suggest that this variant is not likely to affect RNA splicing. In summary, the available evidence is currently insufficient to determine the role of this variant in disease. Therefore, it has been classified as a Variant of Uncertain Significance.

Literature cited by the submitters: PubMed 17576681; PubMed 9536098.

NM_172364.5(CACNA2D4):c.309+3C>G

Gene: CACNA2D4 (calcium voltage-gated channel auxiliary subunit alpha2delta 4; minus strand). Cytogenetic location: 12p13.33.
Variant type: single nucleotide variant.
Coding change: c.309+3C>G on transcript NM_172364.5 (MANE Select); 3 bases into the intron after coding-DNA position 309, C replaced by G.
Molecular consequence: intron variant.
Genome position (GRCh38, 1-based): chr12:1,914,851, G>C on the plus strand (C>G on the coding strand, the complement: CACNA2D4 is on the minus strand). VCF-style: chr12-1914851-G-C. GRCh37 (hg19) VCF-style: chr12-2024017-G-C.
Identifiers: ClinVar variation 2880680 (VCV002880680.3), dbSNP rs1161076541, ClinGen allele CA602681741.
Genomic context (GRCh38, chr12:1,914,851, plus strand): 5'-GGGGGCTTCGATGGCTGACTGCCCTCTGCCACCCGGTGGGCTCTCTGGAAGGGGGTGACT[G>C]ACCTTCTGCAGCAAGAGAGAGCCTGAGTATTTGGTCACAGTGTTATACAGGTCCCCGCCG-3'